The following is an entry in ClinVar:

ClinVar aggregate classification (germline): Uncertain significance (1 of 4 stars; one submission).

Allele frequency attached by ClinVar (database versions not stated): gnomAD exomes 0.00001; ExAC 0.00004.
gnomAD v4.1: 9 of 1,587,974 alleles (0.00057%); highest among the groups gnomAD compares: Non-Finnish European, 0.00069%; no homozygotes.

Submission:

Labcorp Genetics (formerly Invitae), Labcorp
Classification: Uncertain significance. Last evaluated: 2022-07-19. Review status: criteria provided, single submitter. Criteria: Invitae Variant Classification Sherloc (09022015). Collection method: clinical testing. Allele origin: germline.
Comment: Algorithms developed to predict the effect of missense changes on protein structure and function are either unavailable or do not agree on the potential impact of this missense change (SIFT: "Deleterious"; PolyPhen-2: "Benign"; Align-GVGD: "Class C0"). This sequence change replaces aspartic acid, which is acidic and polar, with alanine, which is neutral and non-polar, at codon 427 of the CLCC1 protein (p.Asp427Ala). This variant is present in population databases (rs749239237, gnomAD 0.004%). This variant has not been reported in the literature in individuals affected with CLCC1-related conditions. In summary, the available evidence is currently insufficient to determine the role of this variant in disease. Therefore, it has been classified as a Variant of Uncertain Significance.

NM_001377458.1(CLCC1):c.1280A>C (p.Asp427Ala)

Gene: CLCC1 (chloride channel CLIC like 1; minus strand). Cytogenetic location: 1p13.3.
Variant type: single nucleotide variant.
Coding change: c.1280A>C on transcript NM_001377458.1 (MANE Select); coding-DNA position 1280, A replaced by C.
Protein change: p.Asp427Ala; replaces aspartic acid 427 with alanine.
Molecular consequence: missense variant. On other transcripts: non-coding transcript variant (1).
Genome position (GRCh38, 1-based): chr1:108,937,180, T>G on the plus strand (A>C on the coding strand, the complement: CLCC1 is on the minus strand). VCF-style: chr1-108937180-T-G. GRCh37 (hg19) VCF-style: chr1-109479802-T-G.
Other names: c.1280A>C, p.Asp427Ala (NM_001048210.3, NM_001377459.1, NM_001377460.1 and 8 more transcripts); c.917A>C, p.Asp306Ala (NM_001278202.2); c.725A>C, p.Asp242Ala (NM_001278203.1); c.1178A>C, p.Asp393Ala (NM_001377469.1); c.989A>C, p.Asp330Ala (NM_001377470.1); c.1130A>C, p.Asp377Ala (NM_015127.5); short protein forms D306A, D330A, D242A, D427A, D377A, D393A.
Identifiers: ClinVar variation 2040194 (VCV002040194.4), dbSNP rs749239237, ClinGen allele CA983366.
Genomic context (GRCh38, chr1:108,937,180, plus strand): 5'-ACATCAAATGCCCGGAGCACTTCAGGGCTCTTGTTGCCAGTCTGAAATCTCAAGTCAACA[T>G]CTCTCTCTCTCAAAATCTCTCTTCTACCCTCATACGTTTTGGCATAAGGGCCTTGCTCAG-3'
Protein context (NP_001364387.1, residues 417-437): EGRREILRER[Asp427Ala]VDLRFQTGNK